The following is an entry in ClinVar:

ClinVar aggregate classification (germline): Pathogenic. Review status: criteria provided, multiple submitters, no conflicts (2 of 4 stars). 2 submissions from 2 submitters: Pathogenic (2). Last evaluated 2025-06-04.

Conditions:
Bardet-Biedl syndrome (BBS). Identifiers: Orphanet 110, MedGen C0752166, MONDO:0015229.
Bardet-Biedl syndrome 12 (BBS12). Identifiers: Orphanet 110, MedGen C1859570, MONDO:0014440, OMIM 615989.

Submissions (2):

Myriad Genetics, Inc.
Classification: Pathogenic for Bardet-Biedl syndrome 12. Last evaluated: 2025-06-04. Review status: criteria provided, single submitter. Criteria: Myriad Autosomal Dominant, Autosomal Recessive and X-Linked Classification Criteria (2023). Collection method: clinical testing. Allele origin: unknown.
Comment: NM_152618.2(BBS12):c.398delC(P133Lfs*23) is a frameshift variant classified as pathogenic in the context of Bardet-Biedl syndrome, BBS12-related. P133Lfs*23 has not been observed in cases with relevant disease. Relevant functional assessments of this variant are not available in the literature. P133Lfs*23 has not been observed in referenced population frequency databases. In summary, NM_152618.2(BBS12):c.398delC(P133Lfs*23) is a frameshift variant in a gene where loss of function is a known mechanism of disease and is predicted to disrupt protein function. Please note: this variant was assessed in the context of healthy population screening.

Labcorp Genetics (formerly Invitae), Labcorp
Classification: Pathogenic for Bardet-Biedl syndrome. Last evaluated: 2020-03-05. Review status: criteria provided, single submitter. Criteria: Invitae Variant Classification Sherloc (09022015). Collection method: clinical testing. Allele origin: germline.
Comment: For these reasons, this variant has been classified as Pathogenic. This variant disrupts the C-terminus of the BBS12 protein. Other variant(s) that disrupt this region (p.Arg675*) have been determined to be pathogenic (PMID: 20827784, 21642631). This suggests that variants that disrupt this region of the protein are likely to be causative of disease. This variant has not been reported in the literature in individuals with BBS12-related conditions. This variant is not present in population databases (ExAC no frequency). This sequence change results in a premature translational stop signal in the BBS12 gene (p.Pro133Leufs*23). While this is not anticipated to result in nonsense mediated decay, it is expected to disrupt the last 578 amino acids of the BBS12 protein.

Literature cited by the submitters: PubMed 20827784 (cited by Labcorp Genetics (formerly Invitae), Labcorp); PubMed 21642631 (cited by Labcorp Genetics (formerly Invitae), Labcorp).

NM_152618.3(BBS12):c.398del (p.Pro133fs)

Gene: BBS12 (Bardet-Biedl syndrome 12; plus strand). Cytogenetic location: 4q27.
Variant type: Deletion.
Coding change: c.398del on transcript NM_152618.3 (MANE Select); coding-DNA position 398, one base deleted (C; older notation c.398delC).
Protein change: p.Pro133fs; shifts the reading frame from proline 133.
Molecular consequence: frameshift variant.
Genome position (GRCh38, 1-based): chr4:122,742,290, C deleted; the last of 2 consecutive C bases (chr4:122,742,289-122,742,290); deleting either gives the same sequence. VCF-style (leftmost placement, unchanged base first): chr4-122742288-AC-A. GRCh37 (hg19) VCF-style: chr4-123663443-AC-A.
Other names: c.398del, p.Pro133fs (NM_001178007.2); short protein forms P133fs.
Identifiers: ClinVar variation 1071214 (VCV001071214.6), dbSNP rs750185673, ClinGen allele CA105249169.
Genomic context (GRCh38, chr4:122,742,288, plus strand): 5'-AGTATCAGTAATGTCAGAAGGCTTAAACTTTTGTAGTGAAGAGGTAGTTTCTCTTCATGT[AC>A]CTGTTCACAATATATTTGACTGTATGGACAGCACAAAAACATTTTCTCAACTTGAAACAT-3'